The following is an entry in ClinVar:

NM_024741.3(ZNF408):c.1171A>G (p.Ser391Gly)

Gene: ZNF408 (zinc finger protein 408; plus strand). Cytogenetic location: 11p11.2.
Variant type: single nucleotide variant.
Coding change: c.1171A>G on transcript NM_024741.3 (MANE Select); coding-DNA position 1171, A replaced by G.
Protein change: p.Ser391Gly; replaces serine 391 with glycine.
Molecular consequence: missense variant.
Genome position (GRCh38, 1-based): chr11:46,704,871, A>G. VCF-style: chr11-46704871-A-G. GRCh37 (hg19) VCF-style: chr11-46726421-A-G.
Other names: c.1147A>G, p.Ser383Gly (NM_001184751.2); short protein forms S383G, S391G.
Identifiers: ClinVar variation 2663598 (VCV002663598.1), dbSNP rs2502794567, ClinGen allele CA380255098.

ClinVar aggregate classification (germline): Uncertain significance (1 of 4 stars; one submission).

Submission:

GeneDx
Classification: Uncertain significance. Last evaluated: 2023-04-03. Review status: criteria provided, single submitter. Criteria: GeneDx Variant Classification Process June 2021. Collection method: clinical testing. Allele origin: germline. Affected: yes.
Comment: Not observed at significant frequency in large population cohorts (gnomAD); In silico analysis supports that this missense variant has a deleterious effect on protein structure/function; Has not been previously published as pathogenic or benign to our knowledge